The following is an entry in ClinVar:

NM_001130987.2(DYSF):c.1491del (p.Trp498fs)

Gene: DYSF (dysferlin; plus strand). Cytogenetic location: 2p13.2.
Variant type: Deletion.
Coding change: c.1491del on transcript NM_001130987.2 (MANE Select); coding-DNA position 1491, one base deleted (C; older notation c.1491delC).
Protein change: p.Trp498fs; shifts the reading frame from tryptophan 498.
Molecular consequence: frameshift variant.
Genome position (GRCh38, 1-based): chr2:71,535,309, C deleted. VCF-style (leftmost placement, unchanged base first): chr2-71535308-AC-A. GRCh37 (hg19) VCF-style: chr2-71762438-AC-A.
Other names: c.1398del, p.Trp467fs (NM_001130455.2, NM_001130983.2, NM_001130984.2 and 1 more transcripts); c.1395del, p.Trp466fs (NM_001130976.2, NM_001130977.2, NM_001130978.2 and 1 more transcripts); c.1488del, p.Trp497fs (NM_001130979.2, NM_001130980.2, NM_001130981.2); c.1491del, p.Trp498fs (NM_001130982.2, NM_001130985.2); short protein forms W467fs, W498fs, W466fs, W497fs.
Identifiers: ClinVar variation 2171647 (VCV002171647.4), dbSNP rs764251007, ClinGen allele CA1705769.
Genomic context (GRCh38, chr2:71,535,308, plus strand): 5'-CGCCTCTATTCCTTCCTCAGTTTCCCTCCATGTGCGAAAAAATGAGGATTCGTATCATAG[AC>A]TGGTGAGTTCTGAGTCTTGGAGTCTTTAGGGCGGGCTGTCCTGAGGGGGCGCTGGGTCCC-3'

ClinVar aggregate classification (germline): Pathogenic (1 of 4 stars; one submission).

Conditions:
Neuromuscular disease caused by qualitative or quantitative defects of dysferlin. Also called: Dysferlinopathy; Qualitative or quantitative defects of dysferlin. Identifiers: Orphanet 207073, MedGen C2931687, MONDO:0016145.

Allele frequency attached by ClinVar (database versions not stated): ExAC 0.00001; gnomAD exomes 0.00001.

Submission:

Labcorp Genetics (formerly Invitae), Labcorp
Classification: Pathogenic for Neuromuscular disease caused by qualitative or quantitative defects of dysferlin. Last evaluated: 2022-12-23. Review status: criteria provided, single submitter. Criteria: Invitae Variant Classification Sherloc (09022015). Collection method: clinical testing. Allele origin: germline.
Comment: This variant has not been reported in the literature in individuals affected with DYSF-related conditions. For these reasons, this variant has been classified as Pathogenic. This variant is present in population databases (rs764251007, gnomAD 0.0009%). This sequence change creates a premature translational stop signal (p.Trp466Glyfs*4) in the DYSF gene. It is expected to result in an absent or disrupted protein product. Loss-of-function variants in DYSF are known to be pathogenic (PMID: 17698709, 20301480).

Literature cited by the submitters: PubMed 17698709; PubMed 20301480.